The following is an entry in ClinVar:

NM_004431.5(EPHA2):c.2826-35_2890del

Gene: EPHA2 (EPH receptor A2; minus strand). Cytogenetic location: 1p36.13.
Variant type: Deletion.
Coding change: c.2826-35_2890del on transcript NM_004431.5 (MANE Select); 35 bases into the intron before coding-DNA position 2826 through coding-DNA position 2890, 100 bases deleted.
Molecular consequence: splice acceptor variant.
Genome position (GRCh38, 1-based): chr1:16,125,256-16,125,355, 100 bases deleted. GRCh37 (hg19): chr1:16,451,752-16,451,851.
Other names: c.2664-35_2728del (NM_001329090.2).
Identifiers: ClinVar variation 2050855 (VCV002050855.4), dbSNP rs2524522867, ClinGen allele CA2580060599.

ClinVar aggregate classification (germline): Uncertain significance (1 of 4 stars; one submission).

Conditions:
Cataract 6 multiple types. Also called: CATARACT 6, POSTERIOR POLAR; CATARACT 6, CONGENITAL TOTAL; CATARACT, AGE-RELATED CORTICAL, 2. Identifiers: Orphanet 91492, MedGen C1861825, MONDO:0007288, OMIM 116600.

Submission:

Labcorp Genetics (formerly Invitae), Labcorp
Classification: Uncertain significance for Cataract 6 multiple types. Last evaluated: 2022-06-27. Review status: criteria provided, single submitter. Criteria: Invitae Variant Classification Sherloc (09022015). Collection method: clinical testing. Allele origin: germline.
Comment: This variant is not present in population databases (gnomAD no frequency). This variant results in the deletion of part of exon 17 (c.2826-35_2890del) of the EPHA2 gene. While this variant is not anticipated to result in nonsense mediated decay, it likely alters RNA splicing and results in a disrupted protein product. This variant has not been reported in the literature in individuals affected with EPHA2-related conditions. Variants that disrupt the consensus splice site are a relatively common cause of aberrant splicing (PMID: 17576681, 9536098). Algorithms developed to predict the effect of sequence changes on RNA splicing suggest that this variant may disrupt the consensus splice site. In summary, the available evidence is currently insufficient to determine the role of this variant in disease. Therefore, it has been classified as a Variant of Uncertain Significance.

Literature cited by the submitters: PubMed 17576681; PubMed 9536098.